The following is an entry in ClinVar:

NM_000246.4(CIITA):c.2522C>T (p.Thr841Met)

Gene: CIITA (class II major histocompatibility complex transactivator; plus strand). Cytogenetic location: 16p13.13.
Variant type: single nucleotide variant.
Coding change: c.2522C>T on transcript NM_000246.4 (MANE Select); coding-DNA position 2522, C replaced by T.
Protein change: p.Thr841Met; replaces threonine 841 with methionine.
Molecular consequence: missense variant. On other transcripts: intron variant (1).
Genome position (GRCh38, 1-based): chr16:10,908,014, C>T. VCF-style: chr16-10908014-C-T. GRCh37 (hg19) VCF-style: chr16-11001871-C-T.
Other names: c.2525C>T, p.Thr842Met (NM_001286402.1, NM_001379332.1); c.2378C>T, p.Thr793Met (NM_001379330.1); c.2375C>T, p.Thr792Met (NM_001379331.1); c.2522C>T, p.Thr841Met (NM_001379333.1); c.2453C>T, p.Thr818Met (NM_001379334.1); c.860-969C>T (NM_001286403.2); short protein forms T792M, T793M, T841M, T842M, T818M.
Identifiers: ClinVar variation 2141568 (VCV002141568.3), dbSNP rs1159888268, ClinGen allele CA394733797.
Genomic context (GRCh38, chr16:10,908,014, plus strand): 5'-TTTGGCAGCACGTGGTACAGGAGCTCCCCGGCCGCCTCTCTTTTCTGGGCACCCGCCTCA[C>T]GCCTCCTGATGCACATGTACTGGGCAAGGCCTTGGAGGCGGCGGGCCAAGACTTCTCCCT-3'
Protein context (NP_000237.2, residues 831-851): GRLSFLGTRL[Thr841Met]PPDAHVLGKA

ClinVar aggregate classification (germline): Uncertain significance (1 of 4 stars; one submission).

Conditions:
MHC class II deficiency. Also called: Bare lymphocyte syndrome 2; BLS, TYPE II. Identifiers: Orphanet 572, MedGen C5447452, MONDO:0008855.

gnomAD v4.1: 7 of 1,603,126 alleles (0.00044%); highest among the groups gnomAD compares: South Asian, 0.0011%; no homozygotes.

Submission:

Labcorp Genetics (formerly Invitae), Labcorp
Classification: Uncertain significance for MHC class II deficiency. Last evaluated: 2024-10-17. Review status: criteria provided, single submitter. Criteria: Invitae Variant Classification Sherloc (09022015). Collection method: clinical testing. Allele origin: germline.
Comment: This sequence change replaces threonine, which is neutral and polar, with methionine, which is neutral and non-polar, at codon 841 of the CIITA protein (p.Thr841Met). This variant is not present in population databases (gnomAD no frequency). This variant has not been reported in the literature in individuals affected with CIITA-related conditions. ClinVar contains an entry for this variant (Variation ID: 2141568). An algorithm developed to predict the effect of missense changes on protein structure and function outputs the following: PolyPhen-2: "Benign". The methionine amino acid residue is found in multiple mammalian species, which suggests that this missense change does not adversely affect protein function. In summary, the available evidence is currently insufficient to determine the role of this variant in disease. Therefore, it has been classified as a Variant of Uncertain Significance.